The following is an entry in ClinVar:

ClinVar aggregate classification (germline): Uncertain significance. Review status: criteria provided, multiple submitters, no conflicts (2 of 4 stars). 3 submissions from 3 submitters: Uncertain significance (3). Last evaluated 2025-03-14.

Conditions:
PHOX2B-related disorder. Also called: PHOX2B-related condition.
Haddad syndrome (OHD). Also called: Ondine-Hirschsprung disease. Identifiers: Orphanet 99803, MedGen C1859049, MONDO:0020493.
Hereditary cancer-predisposing syndrome. Also called: Hereditary neoplastic syndrome; Tumor predisposition; Neoplastic Syndromes, Hereditary; Hereditary Cancer Syndrome. Identifiers: Orphanet 140162, MedGen C0027672, MeSH D009386, MONDO:0015356.

Allele frequency attached by ClinVar (database versions not stated): gnomAD exomes below 0.00001.
gnomAD v4.1: 2 of 1,571,390 alleles (0.00013%); highest among the groups gnomAD compares: Admixed American, 0.0017%; no homozygotes.

Submissions (3):

Ambry Genetics
Classification: Uncertain significance for Hereditary cancer-predisposing syndrome. Last evaluated: 2025-03-14. Review status: criteria provided, single submitter. Criteria: Ambry Variant Classification Scheme 2023. Collection method: clinical testing. Allele origin: germline.
Comment: The p.S219R variant (also known as c.657C>A), located in coding exon 3 of the PHOX2B gene, results from a C to A substitution at nucleotide position 657. The serine at codon 219 is replaced by arginine, an amino acid with dissimilar properties. This amino acid position is conserved. In addition, this alteration is predicted to be tolerated by in silico analysis. Since supporting evidence is limited at this time, the clinical significance of this alteration remains unclear.

Labcorp Genetics (formerly Invitae), Labcorp
Classification: Uncertain significance for Haddad syndrome. Last evaluated: 2023-11-20. Review status: criteria provided, single submitter. Criteria: Invitae Variant Classification Sherloc (09022015). Collection method: clinical testing. Allele origin: germline.
Comment: This sequence change replaces serine, which is neutral and polar, with arginine, which is basic and polar, at codon 219 of the PHOX2B protein (p.Ser219Arg). This variant is present in population databases (no rsID available, gnomAD 0.004%). This variant has not been reported in the literature in individuals affected with PHOX2B-related conditions. ClinVar contains an entry for this variant (Variation ID: 1501201). Advanced modeling of protein sequence and biophysical properties (such as structural, functional, and spatial information, amino acid conservation, physicochemical variation, residue mobility, and thermodynamic stability) performed at Invitae indicates that this missense variant is not expected to disrupt PHOX2B protein function with a negative predictive value of 80%. In summary, the available evidence is currently insufficient to determine the role of this variant in disease. Therefore, it has been classified as a Variant of Uncertain Significance.

PreventionGenetics, part of Exact Sciences
Classification: Uncertain significance for PHOX2B-related condition. Last evaluated: 2023-05-24. Review status: criteria provided, single submitter. Criteria: ACMG Guidelines, 2015. Collection method: clinical testing. Allele origin: germline.
Comment: The PHOX2B c.657C>A variant is predicted to result in the amino acid substitution p.Ser219Arg. To our knowledge, this variant has not been reported in the literature. This variant is reported in 0.0036% of alleles in individuals of South Asian descent in gnomAD and has been interpreted as uncertain in ClinVar. At this time, the clinical significance of this variant is uncertain due to the absence of conclusive functional and genetic evidence.

NM_003924.4(PHOX2B):c.657C>A (p.Ser219Arg)

Gene: PHOX2B (paired like homeobox 2B; minus strand). Cytogenetic location: 4p13.
Variant type: single nucleotide variant.
Coding change: c.657C>A on transcript NM_003924.4 (MANE Select); coding-DNA position 657, C replaced by A.
Protein change: p.Ser219Arg; replaces serine 219 with arginine.
Molecular consequence: missense variant.
Genome position (GRCh38, 1-based): chr4:41,746,095, G>T on the plus strand (C>A on the coding strand, the complement: PHOX2B is on the minus strand). VCF-style: chr4-41746095-G-T. GRCh37 (hg19) VCF-style: chr4-41748112-G-T.
Other names: short protein forms S219R.
Identifiers: ClinVar variation 1501201 (VCV001501201.10), dbSNP rs1194972256, ClinGen allele CA356737481.
Genomic context (GRCh38, chr4:41,746,095, plus strand): 5'-GCCCTTGCCGGGTTCGCCTCCCGGGCCCCCGGGCCCCGCCGCCCCCGGAGCTCCAGCCGG[G>T]CTGGGCCCGCCGCCGCCGCCTCCATTCGCCCCGCAGCTGGGGGTGGGGTTGGGATTGGGA-3'
Protein context (NP_003915.2, residues 209-229): GANGGGGGGP[Ser219Arg]PAGAPGAAGP